The following is an entry in ClinVar:

NM_004960.4(FUS):c.824A>G (p.His275Arg)

Gene: FUS (FUS RNA binding protein; plus strand). Cytogenetic location: 16p11.2.
Variant type: single nucleotide variant.
Coding change: c.824A>G on transcript NM_004960.4 (MANE Select); coding-DNA position 824, A replaced by G.
Protein change: p.His275Arg; replaces histidine 275 with arginine.
Molecular consequence: missense variant. On other transcripts: non-coding transcript variant (1).
Genome position (GRCh38, 1-based): chr16:31,188,349, A>G. VCF-style: chr16-31188349-A-G. GRCh37 (hg19) VCF-style: chr16-31199670-A-G.
Other names: c.821A>G, p.His274Arg (NM_001170634.1); c.812A>G, p.His271Arg (NM_001170937.1); short protein forms H271R, H274R, H275R.
Identifiers: ClinVar variation 1199202 (VCV001199202.4), dbSNP rs1405011209, ClinGen allele CA395671799.

ClinVar aggregate classification (germline): Uncertain significance (1 of 4 stars; one submission).

Conditions:
Amyotrophic lateral sclerosis type 6. Also called: FUS-Related Amyotrophic Laterial Sclerosis; AMYOTROPHIC LATERAL SCLEROSIS 6 WITHOUT FRONTOTEMPORAL DEMENTIA; Amyotrophic lateral sclerosis 6, with or without frontotemporal dementia. Identifiers: Orphanet 275872, Orphanet 803, MedGen C2931786, MONDO:0011951, OMIM 608030.

Allele frequency attached by ClinVar (database versions not stated): gnomAD exomes below 0.00001 and 0.00001; TOPMed below 0.00001.
gnomAD v4.1: 4 of 1,612,946 alleles (0.00025%); highest among the groups gnomAD compares: Non-Finnish European, 0.00034%; no homozygotes.

Submission:

Illumina Laboratory Services, Illumina
Classification: Uncertain significance for Amyotrophic lateral sclerosis type 6. Last evaluated: 2021-03-15. Review status: criteria provided, single submitter. Criteria: ICSLVariantClassificationCriteria RUGD 01 April 2020. Collection method: clinical testing. Allele origin: unknown.
Comment: The FUS c.824A>G (p.His275Arg) variant is a missense variant. A literature search was performed for the gene, cDNA change, and amino acid change. No publications were found based on this search. The p.His275Arg variant is reported at a frequency of 0.000009 in the European (non-Finnish) population of the Genome Aggregation Database, but this is based on one allele in a region of good sequence coverage so the variant is presumed to be rare. Based on the limited evidence, the p.His275Arg variant is classified as a variant of uncertain significance for amyotrophic lateral sclerosis.